The following is an entry in ClinVar:

NM_000419.5(ITGA2B):c.1357C>T (p.Arg453Ter)

Gene: ITGA2B (integrin subunit alpha 2b; minus strand). Cytogenetic location: 17q21.31.
Variant type: single nucleotide variant.
Coding change: c.1357C>T on transcript NM_000419.5 (MANE Select); coding-DNA position 1357, C replaced by T.
Protein change: p.Arg453Ter; replaces arginine 453 with a stop codon.
Molecular consequence: nonsense.
Genome position (GRCh38, 1-based): chr17:44,380,915, G>A on the plus strand (C>T on the coding strand, the complement: ITGA2B is on the minus strand). VCF-style: chr17-44380915-G-A. GRCh37 (hg19) VCF-style: chr17-42458283-G-A.
Other names: c.1357C>T (LRG_479t1); short protein forms R453*.
Identifiers: ClinVar variation 631773 (VCV000631773.5), dbSNP rs151179377, ClinGen allele CA399803529.

ClinVar aggregate classification (germline): Pathogenic (3 of 4 stars; one submission).

Conditions:
Glanzmann thrombasthenia. Also called: BLEEDING DISORDER, PLATELET-TYPE, 2; THROMBASTHENIA OF GLANZMANN AND NAEGELI; Glanzmann's thrombasthenia; Thrombasthenia; PLATELET GLYCOPROTEIN IIb-IIIa DEFICIENCY. Identifiers: Orphanet 849, MedGen C0040015, MONDO:0100326.

Submission:

ClinGen Platelet Disorders Variant Curation Expert Panel, ClinGen
Classification: Pathogenic for Glanzmann thrombasthenia. Last evaluated: 2021-03-05. Review status: reviewed by expert panel. Criteria: ClinGen Platelet ACMG Specifications v2. Collection method: curation. Allele origin: germline. Inheritance: Autosomal recessive inheritance.
Comment: NM_000419.5(ITGA2B):c.1357C>T (p.Arg453Ter) is a nonsense variant located on exon 13, predicted to result in NMD. It is absent from all large population cohorts (gnomAD). This variant has been reported to occur in homozygous state in one proband (PMID: 25728920). This variant meets GT specific criteria for PVS1, PM2_supporting, and PM3_supporting and is therefore classified as Pathogenic.